The following is an entry in ClinVar:

ClinVar aggregate classification (germline): Uncertain significance. Review status: criteria provided, multiple submitters, no conflicts (2 of 4 stars). 4 submissions from 4 submitters: Uncertain significance (4). Last evaluated 2025-12-22.

Conditions:
Familial adenomatous polyposis 3. Also called: NTHL1-Related Adenomatous Polyposis and Colorectal Cancer; NTHL1-associated polyposis; NTHL1-related attenuated familial adenomatous polyposis; NTHL1 Tumor Syndrome. Identifiers: Orphanet 220460, Orphanet 454840, MedGen C4225157, MONDO:0014630, OMIM 616415.
Hereditary cancer-predisposing syndrome. Also called: Tumor predisposition; Neoplastic Syndromes, Hereditary; Hereditary Cancer Syndrome; Hereditary neoplastic syndrome. Identifiers: Orphanet 140162, MedGen C0027672, MeSH D009386, MONDO:0015356.

Allele frequency attached by ClinVar (database versions not stated): gnomAD exomes below 0.00001 and 0.00003; gnomAD 0.00001; TOPMed 0.00002; ESP Exome Variant Server 0.00015.
gnomAD v4.1: 38 of 1,612,120 alleles (0.0024%); highest among the groups gnomAD compares: Non-Finnish European, 0.0031%; no homozygotes.

Submissions (4):

Labcorp Genetics (formerly Invitae), Labcorp
Classification: Uncertain significance. Last evaluated: 2025-12-22. Review status: criteria provided, single submitter. Criteria: Invitae Variant Classification Sherloc (09022015). Collection method: clinical testing. Allele origin: germline.
Comment: This sequence change replaces glutamic acid, which is acidic and polar, with valine, which is neutral and non-polar, at codon 277 of the NTHL1 protein (p.Glu277Val). This variant is not present in population databases (gnomAD no frequency). This variant has not been reported in the literature in individuals affected with NTHL1-related conditions. ClinVar contains an entry for this variant (Variation ID: 659416). An algorithm developed to predict the effect of missense changes on protein structure and function (PolyPhen-2) suggests that this variant is likely to be tolerated. In summary, the available evidence is currently insufficient to determine the role of this variant in disease. Therefore, it has been classified as a Variant of Uncertain Significance.

Ambry Genetics
Classification: Uncertain significance for Hereditary cancer-predisposing syndrome. Last evaluated: 2024-11-22. Review status: criteria provided, single submitter. Criteria: Ambry Variant Classification Scheme 2023. Collection method: clinical testing. Allele origin: germline.
Comment: The p.E277V variant (also known as c.830A>T), located in coding exon 6 of the NTHL1 gene, results from an A to T substitution at nucleotide position 830. The glutamic acid at codon 277 is replaced by valine, an amino acid with dissimilar properties. This amino acid position is highly conserved in available vertebrate species. In addition, this alteration is predicted to be deleterious by in silico analysis. Since supporting evidence is limited at this time, the clinical significance of this alteration remains unclear.

Quest Diagnostics Nichols Institute San Juan Capistrano
Classification: Uncertain significance. Last evaluated: 2023-10-09. Review status: criteria provided, single submitter. Criteria: Quest Diagnostics criteria. Collection method: clinical testing. Allele origin: unknown.

Baylor Genetics
Classification: Uncertain significance for Familial adenomatous polyposis 3. Last evaluated: 2023-06-06. Review status: criteria provided, single submitter. Criteria: ACMG Guidelines, 2015. Collection method: clinical testing. Allele origin: unknown.

NM_002528.7(NTHL1):c.806A>T (p.Glu269Val)

Gene: NTHL1 (nth like DNA glycosylase 1; minus strand). Cytogenetic location: 16p13.3.
Variant type: single nucleotide variant.
Coding change: c.806A>T on transcript NM_002528.7 (MANE Select); coding-DNA position 806, A replaced by T.
Protein change: p.Glu269Val; replaces glutamic acid 269 with valine.
Molecular consequence: missense variant.
Genome position (GRCh38, 1-based): chr16:2,040,033, T>A on the plus strand (A>T on the coding strand, the complement: NTHL1 is on the minus strand). VCF-style: chr16-2040033-T-A. GRCh37 (hg19) VCF-style: chr16-2090034-T-A.
Other names: c.806A>T, p.Glu269Val (LRG_1366t1); c.635A>T, p.Glu212Val (NM_001318193.2); c.476A>T, p.Glu159Val (NM_001318194.2); short protein forms E159V, E269V, E212V.
Identifiers: ClinVar variation 659416 (VCV000659416.14), dbSNP rs369032190, ClinGen allele CA276760199.